The following is an entry in ClinVar:

NM_000587.4(C7):c.2073A>T (p.Lys691Asn)

Gene: C7 (complement C7; plus strand). Cytogenetic location: 5p13.1.
Variant type: single nucleotide variant.
Coding change: c.2073A>T on transcript NM_000587.4 (MANE Select); coding-DNA position 2073, A replaced by T.
Protein change: p.Lys691Asn; replaces lysine 691 with asparagine.
Molecular consequence: missense variant.
Genome position (GRCh38, 1-based): chr5:40,972,593, A>T. VCF-style: chr5-40972593-A-T. GRCh37 (hg19) VCF-style: chr5-40972695-A-T.
Other names: short protein forms K691N.
Identifiers: ClinVar variation 1358166 (VCV001358166.9), dbSNP rs186028395, ClinGen allele CA3250183.

ClinVar aggregate classification (germline): Uncertain significance. Review status: criteria provided, multiple submitters, no conflicts (2 of 4 stars). 2 submissions from 2 submitters: Uncertain significance (2). Last evaluated 2024-06-24.

Allele frequency attached by ClinVar (database versions not stated): ExAC 0.00001; 1000 Genomes Project 30x 0.00016; 1000 Genomes Project 0.00020.
gnomAD v4.1: 19 of 1,588,222 alleles (0.0012%); highest among the groups gnomAD compares: Middle Eastern, 0.018%; no homozygotes.

Submissions (2):

Blueprint Genetics
Classification: Uncertain significance. Last evaluated: 2024-06-24. Review status: criteria provided, single submitter. Criteria: ACMG Guidelines, 2015. Collection method: clinical testing. Allele origin: germline.

Labcorp Genetics (formerly Invitae), Labcorp
Classification: Uncertain significance. Last evaluated: 2024-02-05. Review status: criteria provided, single submitter. Criteria: Invitae Variant Classification Sherloc (09022015). Collection method: clinical testing. Allele origin: germline.
Comment: This sequence change replaces lysine, which is basic and polar, with asparagine, which is neutral and polar, at codon 691 of the C7 protein (p.Lys691Asn). This variant is present in population databases (rs186028395, gnomAD 0.007%). This variant has not been reported in the literature in individuals affected with C7-related conditions. ClinVar contains an entry for this variant (Variation ID: 1358166). An algorithm developed to predict the effect of missense changes on protein structure and function (PolyPhen-2) suggests that this variant is likely to be tolerated. In summary, the available evidence is currently insufficient to determine the role of this variant in disease. Therefore, it has been classified as a Variant of Uncertain Significance.